The following is an entry in ClinVar:

NC_000022.10:g.(?_42564659)_(43089957_?)dup

Genes: A4GALT (alpha 1,4-galactosyltransferase (P1PK blood group); minus strand), ATP5MGL (ATP synthase membrane subunit g like; minus strand), CYB5R3 (cytochrome b5 reductase 3; minus strand), NFAM1 (NFAT activating protein with ITAM motif 1; minus strand), POLDIP3 (DNA polymerase delta interacting protein 3; minus strand) and 3 more. Cytogenetic location: 22q13.2.
Variant type: Duplication.
Identifiers: ClinVar variation 3248111 (VCV003248111.1).

ClinVar aggregate classification (germline): Uncertain significance (1 of 4 stars; one submission).

Submission:

Labcorp Genetics (formerly Invitae), Labcorp
Classification: Uncertain significance. Last evaluated: 2023-05-22. Review status: criteria provided, single submitter. Criteria: Invitae Variant Classification Sherloc (09022015). Collection method: clinical testing. Allele origin: unknown.
Comment: This variant results in a copy number gain of the genomic region encompassing exon(s) 1-5 of the TCF20 gene. This region includes the initiator codon of the gene. This copy number gain extends beyond the assayed region for this gene and therefore may encompass additional genes. As the precise location of this event is unknown, it may be in tandem or it may be located elsewhere in the genome. In summary, the available evidence is currently insufficient to determine the role of this variant in disease. Therefore, it has been classified as a Variant of Uncertain Significance. This variant has not been reported in the literature in individuals affected with TCF20-related conditions.